The following is an entry in ClinVar:

NM_020975.6(RET):c.2608-20C>T

Gene: RET (ret proto-oncogene; plus strand). Cytogenetic location: 10q11.21.
Variant type: single nucleotide variant.
Coding change: c.2608-20C>T on transcript NM_020975.6 (MANE Select); 20 bases into the intron before coding-DNA position 2608, C replaced by T.
Molecular consequence: intron variant.
Genome position (GRCh38, 1-based): chr10:43,120,061, C>T. VCF-style: chr10-43120061-C-T. GRCh37 (hg19) VCF-style: chr10-43615509-C-T.
Other names: c.2608-20C>T (NM_020630.7, NM_001406743.1, NM_001406744.1 and 2 more transcripts); c.2473-20C>T (NM_001406765.1, NM_001406763.1); c.2212-20C>T (NM_001406772.1, NM_001406769.1); c.2170-20C>T (NM_001406773.1, NM_001406771.1); c.1711-20C>T (NM_001406782.1, NM_001406780.1, NM_001406779.1 and 1 more transcripts); c.1576-20C>T (NM_001406787.1); c.1591-20C>T (NM_001406785.1); c.2479-20C>T (NM_001406764.1, NM_001406762.1, NM_001406761.1); and 10 more.
Identifiers: ClinVar variation 1561849 (VCV001561849.10), dbSNP rs758516402, ClinGen allele CA040051.
Genomic context (GRCh38, chr10:43,120,061, plus strand): 5'-TCTGCTGGTCACACCAGGCTGAGCCAGTGACCGCTGCTGCCTGGCCATGGCCTGACGACT[C>T]GTGCTATTTTTCCTCACAGCTCGTTCATCGGGACTTGGCAGCCAGAAACATCCTGGTAGC-3'

ClinVar aggregate classification (germline): Likely benign. Review status: criteria provided, multiple submitters, no conflicts (2 of 4 stars). 2 submissions from 2 submitters: Likely benign (2). Last evaluated 2025-09-04.

Conditions:
Multiple endocrine neoplasia, type 2 (MEN2). Identifiers: Orphanet 653, MedGen C4048306, MONDO:0019003. Disease mechanism: gain of function.
Multiple endocrine neoplasia type 2A. Also called: Multiple Endocrine Neoplasia Type 2A (MEN2A); MULTIPLE ENDOCRINE NEOPLASIA, TYPE IIA; PTC SYNDROME; SIPPLE SYNDROME; MEN 2A; MEN-2A syndrome. Identifiers: Orphanet 247698, Orphanet 653, MedGen C0025268, MeSH D018813, MONDO:0008234, OMIM 171400.

Allele frequency attached by ClinVar (database versions not stated): gnomAD exomes below 0.00001 and 0.00002; ExAC 0.00001; TOPMed 0.00001.
gnomAD v4.1: 21 of 1,613,018 alleles (0.0013%); highest among the groups gnomAD compares: Non-Finnish European, 0.0017%; no homozygotes.

Submissions (2):

Labcorp Genetics (formerly Invitae), Labcorp
Classification: Likely benign for Multiple endocrine neoplasia, type 2. Last evaluated: 2025-09-04. Review status: criteria provided, single submitter. Criteria: Invitae Variant Classification Sherloc (09022015). Collection method: clinical testing. Allele origin: germline.

Myriad Genetics, Inc.
Classification: Likely benign for Multiple endocrine neoplasia type 2A. Last evaluated: 2025-02-27. Review status: criteria provided, single submitter. Criteria: Myriad Autosomal Dominant, Autosomal Recessive and X-Linked Classification Criteria (2023). Collection method: clinical testing. Allele origin: unknown.
Comment: This variant is considered likely benign. This variant is intronic and is not expected to impact mRNA splicing.